The following is an entry in ClinVar:

NM_213622.4(STAMBP):c.1181G>C (p.Gly394Ala)

Gene: STAMBP (STAM binding protein; plus strand). Cytogenetic location: 2p13.1.
Variant type: single nucleotide variant.
Coding change: c.1181G>C on transcript NM_213622.4 (MANE Select); coding-DNA position 1181, G replaced by C.
Protein change: p.Gly394Ala; replaces glycine 394 with alanine.
Molecular consequence: missense variant. On other transcripts: non-coding transcript variant (4).
Genome position (GRCh38, 1-based): chr2:73,860,114, G>C. VCF-style: chr2-73860114-G-C. GRCh37 (hg19) VCF-style: chr2-74087241-G-C.
Other names: c.1181G>C, p.Gly394Ala (NM_001353967.2, NM_001353968.2, NM_001353969.2 and 3 more transcripts); c.776G>C, p.Gly259Ala (NM_001353971.2, NM_001353972.2, NM_001353973.2 and 3 more transcripts); short protein forms G259A, G394A.
Identifiers: ClinVar variation 1336158 (VCV001336158.6), dbSNP rs754884500, ClinGen allele CA1717730.

ClinVar aggregate classification (germline): Uncertain significance. Review status: criteria provided, multiple submitters, no conflicts (2 of 4 stars). 2 submissions from 2 submitters: Uncertain significance (2). Last evaluated 2022-10-17.

Allele frequency attached by ClinVar (database versions not stated): gnomAD exomes below 0.00001 and 0.00001; TOPMed 0.00001; ExAC 0.00002.

Submissions (2):

Labcorp Genetics (formerly Invitae), Labcorp
Classification: Uncertain significance. Last evaluated: 2022-10-17. Review status: criteria provided, single submitter. Criteria: Invitae Variant Classification Sherloc (09022015). Collection method: clinical testing. Allele origin: germline.
Comment: In summary, the available evidence is currently insufficient to determine the role of this variant in disease. Therefore, it has been classified as a Variant of Uncertain Significance. Advanced modeling of protein sequence and biophysical properties (such as structural, functional, and spatial information, amino acid conservation, physicochemical variation, residue mobility, and thermodynamic stability) performed at Invitae indicates that this missense variant is not expected to disrupt STAMBP protein function. ClinVar contains an entry for this variant (Variation ID: 1336158). This variant has not been reported in the literature in individuals affected with STAMBP-related conditions. This variant is present in population databases (rs754884500, gnomAD 0.003%). This sequence change replaces glycine, which is neutral and non-polar, with alanine, which is neutral and non-polar, at codon 394 of the STAMBP protein (p.Gly394Ala).

Genetic Services Laboratory, University of Chicago
Classification: Uncertain significance. Last evaluated: 2017-08-08. Review status: criteria provided, single submitter. Criteria: ACMG Guidelines, 2015. Collection method: clinical testing. Allele origin: germline. Affected: no.